The following is an entry in ClinVar:

ClinVar aggregate classification (germline): Conflicting classifications of pathogenicity. Review status: criteria provided, conflicting classifications (1 of 4 stars). 4 submissions from 4 submitters: Uncertain significance (3); Likely benign (1). Last evaluated 2025-06-18.

Conditions:
Cardiovascular phenotype. Identifiers: MedGen CN230736.
Familial hypobetalipoproteinemia 1. Also called: Hypobetalipoproteinemia, normotriglyceridemic; Acanthocytosis with hypobetalipoproteinemia; APOB-Related Familial Hypobetalipoproteinemia. Identifiers: MedGen C4551990, MONDO:0014252, OMIM 615558.
Hypercholesterolemia, autosomal dominant, type B (FHCL2). Also called: Familial Hypercholesterolemia Type B; HYPERCHOLESTEROLEMIA, FAMILIAL, DUE TO LIGAND-DEFECTIVE APOLIPOPROTEIN B; Familial hypercholesterolemia 2; APOB-Related Familial Hypercholesterolemia, Autosomal Dominant; APOLIPOPROTEIN B-100, FAMILIAL DEFECTIVE; APOLIPOPROTEIN B-100, FAMILIAL LIGAND-DEFECTIVE. Identifiers: MedGen C1704417, MONDO:0007751, OMIM 144010.

Allele frequency attached by ClinVar (database versions not stated): TOPMed 0.00003.
gnomAD v4.1: 57 of 1,614,020 alleles (0.0035%); highest among the groups gnomAD compares: Non-Finnish European, 0.0046%; no homozygotes.

Submissions (4):

Labcorp Genetics (formerly Invitae), Labcorp
Classification: Likely benign for Familial hypobetalipoproteinemia 1; Hypercholesterolemia, autosomal dominant, type B. Last evaluated: 2025-06-18. Review status: criteria provided, single submitter. Criteria: Invitae Variant Classification Sherloc (09022015). Collection method: clinical testing. Allele origin: germline.

Ambry Genetics
Classification: Uncertain significance for Cardiovascular phenotype. Last evaluated: 2023-12-15. Review status: criteria provided, single submitter. Criteria: Ambry Variant Classification Scheme 2023. Collection method: clinical testing. Allele origin: germline.
Comment: The p.I523T variant (also known as c.1568T>C), located in coding exon 12 of the APOB gene, results from a T to C substitution at nucleotide position 1568. The isoleucine at codon 523 is replaced by threonine, an amino acid with similar properties. This amino acid position is not well conserved in available vertebrate species. In addition, this alteration is predicted to be deleterious by in silico analysis. Since supporting evidence is limited at this time, the clinical significance of this alteration remains unclear.

GeneDx
Classification: Uncertain significance. Last evaluated: 2023-04-05. Review status: criteria provided, single submitter. Criteria: GeneDx Variant Classification Process June 2021. Collection method: clinical testing. Allele origin: germline. Affected: yes.
Comment: In silico analysis supports that this missense variant has a deleterious effect on protein structure/function; Has not been previously published as pathogenic or benign to our knowledge

Fulgent Genetics
Classification: Uncertain significance for Hypercholesterolemia, autosomal dominant, type B; Familial hypobetalipoproteinemia 1. Last evaluated: 2021-10-12. Review status: criteria provided, single submitter. Criteria: ACMG Guidelines, 2015. Collection method: clinical testing. Allele origin: unknown.

NM_000384.3(APOB):c.1568T>C (p.Ile523Thr)

Gene: APOB (apolipoprotein B; minus strand). Cytogenetic location: 2p24.1.
Variant type: single nucleotide variant.
Coding change: c.1568T>C on transcript NM_000384.3 (MANE Select); coding-DNA position 1568, T replaced by C.
Protein change: p.Ile523Thr; replaces isoleucine 523 with threonine.
Molecular consequence: missense variant.
Genome position (GRCh38, 1-based): chr2:21,029,688, A>G on the plus strand (T>C on the coding strand, the complement: APOB is on the minus strand). VCF-style: chr2-21029688-A-G. GRCh37 (hg19) VCF-style: chr2-21252560-A-G.
Other names: short protein forms I523T.
Identifiers: ClinVar variation 925432 (VCV000925432.13), dbSNP rs781234577, ClinGen allele CA053937.